The following is an entry in ClinVar:

NM_001243133.2(NLRP3):c.1079T>A (p.Leu360Gln)

Gene: NLRP3 (NLR family pyrin domain containing 3; plus strand). Cytogenetic location: 1q44.
Variant type: single nucleotide variant.
Coding change: c.1079T>A on transcript NM_001243133.2 (MANE Select); coding-DNA position 1079, T replaced by A.
Protein change: p.Leu360Gln; replaces leucine 360 with glutamine.
Molecular consequence: missense variant.
Genome position (GRCh38, 1-based): chr1:247,424,528, T>A. VCF-style: chr1-247424528-T-A. GRCh37 (hg19) VCF-style: chr1-247587830-T-A.
Other names: c.1079T>A, p.Leu360Gln (NM_001079821.3, NM_001127461.3, NM_001127462.3 and 1 more transcripts); c.1085T>A, p.Leu362Gln (NM_004895.5); short protein forms L362Q, L360Q.
Identifiers: ClinVar variation 667052 (VCV000667052.19), dbSNP rs201593863, ClinGen allele CA1494980.

ClinVar aggregate classification (germline): Conflicting classifications of pathogenicity. Review status: criteria provided, conflicting classifications (1 of 4 stars). 4 submissions from 4 submitters: Uncertain significance (1); Benign (1); Likely benign (2). Last evaluated 2025-07-30.

Conditions:
Cryopyrin associated periodic syndrome (CAPS). Identifiers: Orphanet 208650, MedGen C2316212, MONDO:0016168.

Allele frequency attached by ClinVar (database versions not stated): TOPMed 0.00002; ExAC 0.00007; gnomAD 0.00012; gnomAD exomes 0.00013.
gnomAD v4.1: 106 of 1,614,090 alleles (0.0066%); highest among the groups gnomAD compares: Non-Finnish European, 0.0036%; no homozygotes.

Submissions (4):

Labcorp Genetics (formerly Invitae), Labcorp
Classification: Likely benign for Cryopyrin associated periodic syndrome. Last evaluated: 2025-07-30. Review status: criteria provided, single submitter. Criteria: Invitae Variant Classification Sherloc (09022015). Collection method: clinical testing. Allele origin: germline.

GeneDx
Classification: Uncertain significance. Last evaluated: 2024-06-10. Review status: criteria provided, single submitter. Criteria: GeneDx Variant Classification Process June 2021. Collection method: clinical testing. Allele origin: germline. Affected: yes.
Comment: In silico analysis supports that this missense variant has a deleterious effect on protein structure/function; Has not been previously published as pathogenic or benign to our knowledge; This variant is associated with the following publications: (PMID: 19302049)

Blueprint Genetics
Classification: Likely benign. Last evaluated: 2024-06-03. Review status: criteria provided, single submitter. Criteria: ACMG Guidelines, 2015. Collection method: clinical testing. Allele origin: germline.

Laboratory for Molecular Medicine, Mass General Brigham Personalized Medicine
Classification: Benign. Last evaluated: 2019-02-15. Review status: criteria provided, single submitter. Criteria: LMM Criteria. Collection method: clinical testing. Allele origin: germline. Observed: 1 variant allele.
Comment: The p.Leu362Gln variant in NLRP3 is classified as benign because it has been identified in 0.1% (30/25116) of Finnish chromosomes by gnomAD. ACMG/AMP Criteria applied: BA1.